The following is an entry in ClinVar:

ClinVar aggregate classification (germline): Uncertain significance (1 of 4 stars; one submission).

Conditions:
Hereditary cancer-predisposing syndrome. Also called: Neoplastic Syndromes, Hereditary; Hereditary Cancer Syndrome; Tumor predisposition; Hereditary neoplastic syndrome. Identifiers: Orphanet 140162, MedGen C0027672, MeSH D009386, MONDO:0015356.

Submission:

Ambry Genetics
Classification: Uncertain significance for Hereditary cancer-predisposing syndrome. Last evaluated: 2025-03-07. Review status: criteria provided, single submitter. Criteria: Ambry Variant Classification Scheme 2023. Collection method: clinical testing. Allele origin: germline.
Comment: The p.M194L variant (also known as c.580A>T), located in coding exon 5 of the TSC1 gene, results from an A to T substitution at nucleotide position 580. The methionine at codon 194 is replaced by leucine, an amino acid with highly similar properties. This amino acid position is highly conserved in available vertebrate species. In addition, this alteration is predicted to be deleterious by in silico analysis. Based on the available evidence, the clinical significance of this variant remains unclear.

NM_000368.5(TSC1):c.580A>T (p.Met194Leu)

Gene: TSC1 (TSC complex subunit 1; minus strand). Cytogenetic location: 9q34.13.
Variant type: single nucleotide variant.
Coding change: c.580A>T on transcript NM_000368.5 (MANE Select); coding-DNA position 580, A replaced by T.
Protein change: p.Met194Leu; replaces methionine 194 with leucine.
Molecular consequence: missense variant. On other transcripts: 5 prime UTR variant (5), non-coding transcript variant (5).
Genome position (GRCh38, 1-based): chr9:132,921,902, T>A on the plus strand (A>T on the coding strand, the complement: TSC1 is on the minus strand). VCF-style: chr9-132921902-T-A. GRCh37 (hg19) VCF-style: chr9-135797289-T-A.
Other names: c.580A>T, p.Met194Leu (NM_001406593.1, NM_001406594.1, NM_001406595.1 and 16 more transcripts); c.427A>T, p.Met143Leu (NM_001162427.2, NM_001406610.1, NM_001406611.1 and 2 more transcripts); c.217A>T, p.Met73Leu (NM_001362177.2, NM_001406614.1, NM_001406615.1 and 10 more transcripts); c.-298A>T (NM_001406626.1, NM_001406627.1, NM_001406628.1); c.-440A>T (NM_001406629.1); c.-514A>T (NM_001406630.1); short protein forms M194L, M73L, M143L.
Identifiers: ClinVar variation 3811255 (VCV003811255.1).